The following is an entry in ClinVar:

ClinVar aggregate classification (germline): Uncertain significance (1 of 4 stars; one submission).

Conditions:
Hereditary cancer-predisposing syndrome. Also called: Tumor predisposition; Neoplastic Syndromes, Hereditary; Hereditary Cancer Syndrome; Hereditary neoplastic syndrome. Identifiers: Orphanet 140162, MedGen C0027672, MeSH D009386, MONDO:0015356.

Submission:

Ambry Genetics
Classification: Uncertain significance for Hereditary cancer-predisposing syndrome. Last evaluated: 2025-01-09. Review status: criteria provided, single submitter. Criteria: Ambry Variant Classification Scheme 2023. Collection method: clinical testing. Allele origin: germline.
Comment: The p.E238D variant (also known as c.714A>C), located in coding exon 7 of the EPCAM gene, results from an A to C substitution at nucleotide position 714. The glutamic acid at codon 238 is replaced by aspartic acid, an amino acid with highly similar properties. This amino acid position is conserved. In addition, this alteration is predicted to be tolerated by in silico analysis. Based on the available evidence, the clinical significance of this variant remains unclear.

NM_002354.3(EPCAM):c.714A>C (p.Glu238Asp)

Gene: EPCAM (epithelial cell adhesion molecule; plus strand). Cytogenetic location: 2p21.
Variant type: single nucleotide variant.
Coding change: c.714A>C on transcript NM_002354.3 (MANE Select); coding-DNA position 714, A replaced by C.
Protein change: p.Glu238Asp; replaces glutamic acid 238 with aspartic acid.
Molecular consequence: missense variant.
Genome position (GRCh38, 1-based): chr2:47,379,825, A>C. VCF-style: chr2-47379825-A-C. GRCh37 (hg19) VCF-style: chr2-47606964-A-C.
Other names: short protein forms E238D.
Identifiers: ClinVar variation 3509207 (VCV003509207.2).
Genomic context (GRCh38, chr2:47,379,825, plus strand): 5'-ACAGGTTAAAGGTGAATCCTTGTTTCATTCTAAGAAAATGGACCTGACAGTAAATGGGGA[A>C]CAACTGGATCTGGATCCTGGTCAAACTTTAATTTATTATGTTGATGAAAAAGCACCTGAA-3'
Protein context (NP_002345.2, residues 228-248): SKKMDLTVNG[Glu238Asp]QLDLDPGQTL